The following is an entry in ClinVar:

NM_004415.4(DSP):c.1819A>G (p.Lys607Glu)

Gene: DSP (desmoplakin; plus strand). Cytogenetic location: 6p24.3.
Variant type: single nucleotide variant.
Coding change: c.1819A>G on transcript NM_004415.4 (MANE Select); coding-DNA position 1819, A replaced by G.
Protein change: p.Lys607Glu; replaces lysine 607 with glutamic acid.
Molecular consequence: missense variant.
Genome position (GRCh38, 1-based): chr6:7,571,500, A>G. VCF-style: chr6-7571500-A-G. GRCh37 (hg19) VCF-style: chr6-7571733-A-G.
Other names: c.1819A>G, p.Lys607Glu (NM_001008844.3, NM_001319034.2); short protein forms K607E.
Identifiers: ClinVar variation 1780715 (VCV001780715.2), dbSNP rs2533894287, ClinGen allele CA362679321.
Genomic context (GRCh38, chr6:7,571,500, plus strand): 5'-TACCAAGAGTTCATCAGAAATAGCCAAGGCTCAGAGATGTTTGGAGATGATGACAAGCGG[A>G]AAATACAGTCTCAGTTCACCGATGCCCAGAAGCATTACCAGACCCTGGTCATTCAGCTCC-3'
Protein context (NP_004406.2, residues 597-617): SEMFGDDDKR[Lys607Glu]IQSQFTDAQK

ClinVar aggregate classification (germline): Uncertain significance (1 of 4 stars; one submission).

Conditions:
Cardiovascular phenotype. Identifiers: MedGen CN230736.

gnomAD v4.1: 1 of 1,614,244 alleles (0.000062%); highest among the groups gnomAD compares: Non-Finnish European, 0.000085%; no homozygotes.

Submission:

Ambry Genetics
Classification: Uncertain significance for Cardiovascular phenotype. Last evaluated: 2021-10-29. Review status: criteria provided, single submitter. Criteria: Ambry Variant Classification Scheme 2023. Collection method: clinical testing. Allele origin: germline.
Comment: The p.K607E variant (also known as c.1819A>G), located in coding exon 14 of the DSP gene, results from an A to G substitution at nucleotide position 1819. The lysine at codon 607 is replaced by glutamic acid, an amino acid with similar properties. This amino acid position is conserved. In addition, this alteration is predicted to be tolerated by in silico analysis. Since supporting evidence is limited at this time, the clinical significance of this alteration remains unclear.